The following is an entry in ClinVar:

ClinVar aggregate classification (germline): Uncertain significance (1 of 4 stars; one submission).

Conditions:
Epilepsy, familial focal, with variable foci 1 (FFEVF1). Also called: DEPDC5-Related Epilepsy. Identifiers: MedGen C4551983, MONDO:0024556, OMIM 604364.

gnomAD v4.1: 1 of 1,613,770 alleles (0.000062%); highest among the groups gnomAD compares: East Asian, 0.0022%; no homozygotes.

Submission:

OLLIN Analises Genomicas, OLLIN
Classification: Uncertain significance for Epilepsy, familial focal, with variable foci 1. Last evaluated: 2026-08-06. Review status: criteria provided, single submitter. Criteria: ACMG Guidelines 2015 PMID 25741868. Collection method: clinical testing. Allele origin: germline.
Comment: This missense variant, located in exon 23 (of 43), has been observed in gnomAD with an allele frequency of 0.000062%, but has not been reported in ClinVar or identified in the literature. In silico analysis predicts that this variant has a tolerated effect. According to the currently available evidence, this variant has been classified as uncertain significance (PM2_P, BP4_M).

NM_001242896.3(DEPDC5):c.1981T>A (p.Leu661Ile)

Gene: DEPDC5 (DEP domain containing 5, GATOR1 subcomplex subunit; plus strand). Cytogenetic location: 22q12.3.
Variant type: single nucleotide variant.
Coding change: c.1981T>A on transcript NM_001242896.3 (MANE Select); coding-DNA position 1981, T replaced by A.
Protein change: p.Leu661Ile; replaces leucine 661 with isoleucine.
Molecular consequence: missense variant. On other transcripts: non-coding transcript variant (4), intron variant (3).
Genome position (GRCh38, 1-based): chr22:31,821,612, T>A. VCF-style: chr22-31821612-T-A. GRCh37 (hg19) VCF-style: chr22-32217598-T-A.
Other names: c.1981T>A, p.Leu661Ile (NM_001136029.4, NM_001363852.2, NM_001364318.2 and 3 more transcripts); c.1897T>A, p.Leu633Ile (NM_001369901.1, NM_001369902.1); c.1870+2387T>A (NM_001363854.2, NM_001242897.2, NM_001364319.2); short protein forms L633I, L661I.
Identifiers: ClinVar variation 5002869 (VCV005002869.1).
Genomic context (GRCh38, chr22:31,821,612, plus strand): 5'-GCGGAGCTACAAGGCAGCGGGCAGAGGGATCCAACTCACTCCTCTGCAGAGCTGCTGGAG[T>A]TAGCATATCATGAAGCTGCTGGAAGGTGAGGATGTGCACAGGGCTCTGGAAGGTAACCTG-3'
Protein context (NP_001229825.1, residues 651-671): PTHSSAELLE[Leu661Ile]AYHEAAGRHS